The following is an entry in ClinVar:

NM_001853.4(COL9A3):c.1008G>A (p.Pro336=)

Gene: COL9A3 (collagen type IX alpha 3 chain; plus strand). Cytogenetic location: 20q13.33.
Variant type: single nucleotide variant.
Coding change: c.1008G>A on transcript NM_001853.4 (MANE Select); coding-DNA position 1008, G replaced by A.
Protein change: p.Pro336=; no amino-acid change (proline 336 retained).
Molecular consequence: synonymous variant.
Genome position (GRCh38, 1-based): chr20:62,828,976, G>A. VCF-style: chr20-62828976-G-A. GRCh37 (hg19) VCF-style: chr20-61460328-G-A.
Other names: c.1008G>A (NM_001853.3).
Identifiers: ClinVar variation 1420697 (VCV001420697.8), dbSNP rs771213204, ClinGen allele CA9949655.
Genomic context (GRCh38, chr20:62,828,976, plus strand): 5'-CTCACAGGGAGAGGCTGGTCGCAACGGTGCTCCGGGAGAGAAGGGCCCCAACGGGCTGCC[G>A]GTGAGTGCCCGGCGGGTGGGGCCAGCCTGGGGCGCCACAGCTTCTGCCTGCTCAGTGGCC-3'
Protein context (NP_001844.3, residues 326-346): APGEKGPNGL[Pro336=]GLPGRAGSKG

ClinVar aggregate classification (germline): Conflicting classifications of pathogenicity. Review status: criteria provided, conflicting classifications (1 of 4 stars). 2 submissions from 2 submitters: Uncertain significance (1); Likely benign (1). Last evaluated 2025-11-24.

Conditions:
COL9A3-related disorder. Also called: COL9A3-related condition.

gnomAD v4.1: 20 of 1,604,646 alleles (0.0012%); highest among the groups gnomAD compares: Middle Eastern, 0.02%; no homozygotes.

Submissions (2):

PreventionGenetics, part of Exact Sciences
Classification: Likely benign for COL9A3-related condition. Last evaluated: 2025-11-24. Review status: criteria provided, single submitter. Criteria: ACMG Guidelines, 2015. Collection method: clinical testing. Allele origin: germline.
Comment: This variant is classified as likely benign based on ACMG/AMP sequence variant interpretation guidelines (Richards et al. 2015 PMID: 25741868, with internal and published modifications).

Labcorp Genetics (formerly Invitae), Labcorp
Classification: Uncertain significance. Last evaluated: 2023-08-30. Review status: criteria provided, single submitter. Criteria: Invitae Variant Classification Sherloc (09022015). Collection method: clinical testing. Allele origin: germline.
Comment: In summary, the available evidence is currently insufficient to determine the role of this variant in disease. Therefore, it has been classified as a Variant of Uncertain Significance. Variants that disrupt the consensus splice site are a relatively common cause of aberrant splicing (PMID: 17576681, 9536098). Algorithms developed to predict the effect of sequence changes on RNA splicing suggest that this variant is not likely to affect RNA splicing. ClinVar contains an entry for this variant (Variation ID: 1420697). This variant has not been reported in the literature in individuals affected with COL9A3-related conditions. The frequency data for this variant in the population databases is considered unreliable, as metrics indicate poor data quality at this position in the gnomAD database. This sequence change affects codon 336 of the COL9A3 mRNA. It is a 'silent' change, meaning that it does not change the encoded amino acid sequence of the COL9A3 protein. This variant also falls at the last nucleotide of exon 19, which is part of the consensus splice site for this exon.

Literature cited by the submitters: PubMed 17576681 (cited by Labcorp Genetics (formerly Invitae), Labcorp); PubMed 9536098 (cited by Labcorp Genetics (formerly Invitae), Labcorp).